The following is an entry in ClinVar:

NM_004700.4(KCNQ4):c.1667A>G (p.Tyr556Cys)

Gene: KCNQ4 (potassium voltage-gated channel subfamily Q member 4; plus strand). Cytogenetic location: 1p34.2.
Variant type: single nucleotide variant.
Coding change: c.1667A>G on transcript NM_004700.4 (MANE Select); coding-DNA position 1667, A replaced by G.
Protein change: p.Tyr556Cys; replaces tyrosine 556 with cysteine.
Molecular consequence: missense variant.
Genome position (GRCh38, 1-based): chr1:40,835,020, A>G. VCF-style: chr1-40835020-A-G. GRCh37 (hg19) VCF-style: chr1-41300692-A-G.
Other names: c.1505A>G, p.Tyr502Cys (NM_172163.3); short protein forms Y502C, Y556C.
Identifiers: ClinVar variation 3610009 (VCV003610009.2).

ClinVar aggregate classification (germline): Uncertain significance (1 of 4 stars; one submission).

gnomAD v4.1: 8 of 1,614,002 alleles (0.0005%); highest among the groups gnomAD compares: African/African-American, 0.0067%; no homozygotes.

Submission:

Labcorp Genetics (formerly Invitae), Labcorp
Classification: Uncertain significance. Last evaluated: 2024-02-04. Review status: criteria provided, single submitter. Criteria: Invitae Variant Classification Sherloc (09022015). Collection method: clinical testing. Allele origin: germline.
Comment: This sequence change replaces tyrosine, which is neutral and polar, with cysteine, which is neutral and slightly polar, at codon 556 of the KCNQ4 protein (p.Tyr556Cys). This variant is not present in population databases (gnomAD no frequency). This variant has not been reported in the literature in individuals affected with KCNQ4-related conditions. Advanced modeling of protein sequence and biophysical properties (such as structural, functional, and spatial information, amino acid conservation, physicochemical variation, residue mobility, and thermodynamic stability) performed at Invitae indicates that this missense variant is expected to disrupt KCNQ4 protein function with a positive predictive value of 95%. In summary, the available evidence is currently insufficient to determine the role of this variant in disease. Therefore, it has been classified as a Variant of Uncertain Significance.